The following is an entry in ClinVar:

NM_003482.4(KMT2D):c.12470_12484del (p.Gln4157_Glu4161del)

Gene: KMT2D (lysine methyltransferase 2D; minus strand). Cytogenetic location: 12q13.12.
Variant type: Deletion.
Coding change: c.12470_12484del on transcript NM_003482.4 (MANE Select); coding-DNA positions 12470 to 12484, 15 bases deleted (AGCCCATGCTAGAGC).
Protein change: p.Gln4157_Glu4161del.
Molecular consequence: inframe deletion. On other transcripts: inframe indel (1).
Genome position (GRCh38, 1-based): chr12:49,032,221-49,032,235, GCTCTAGCATGGGCT deleted on the plus strand (AGCCCATGCTAGAGC on the coding strand, the reverse complement: KMT2D is on the minus strand); deleting any 15 consecutive bases within chr12:49,032,221-49,032,236 gives the same sequence; the c. name uses the placement nearest the transcript's 3' end. VCF-style (leftmost placement, unchanged base first): chr12-49032220-CGCTCTAGCATGGGCT-C. GRCh37 (hg19) VCF-style: chr12-49426003-CGCTCTAGCATGGGCT-C.
Other names: c.12469_12483delCAGCCCATGCTAGAG, p.Gln4157_Glu4161del (NM_003482.3).
Identifiers: ClinVar variation 2574339 (VCV002574339.1), dbSNP rs2498356677, ClinGen allele CA2580615190.

ClinVar aggregate classification (germline): Uncertain significance (1 of 4 stars; one submission).

Submission:

GeneDx
Classification: Uncertain significance. Last evaluated: 2023-01-27. Review status: criteria provided, single submitter. Criteria: GeneDx Variant Classification Process June 2021. Collection method: clinical testing. Allele origin: germline. Affected: yes.
Comment: Not observed at significant frequency in large population cohorts (gnomAD); In-frame deletion of 5 amino acids in a non-repeat region; In silico analysis supports a deleterious effect on protein structure/function; Has not been previously published as pathogenic or benign to our knowledge